The following is an entry in ClinVar:

ClinVar aggregate classification (germline): Uncertain significance (1 of 4 stars; one submission).

Conditions:
Gastrointestinal stromal tumor. Also called: Gastrointestinal stromal tumor, somatic; Gastrointestinal stroma tumor. Identifiers: Orphanet 44890, MedGen C0238198, MeSH D046152, MONDO:0011719, OMIM 606764, HP:0100723.

Allele frequency attached by ClinVar (database versions not stated): gnomAD exomes below 0.00001; TOPMed below 0.00001.
gnomAD v4.1: 2 of 1,613,696 alleles (0.00012%); highest among the groups gnomAD compares: Non-Finnish European, 0.00017%; no homozygotes.

Submission:

Labcorp Genetics (formerly Invitae), Labcorp
Classification: Uncertain significance for Gastrointestinal stromal tumor. Last evaluated: 2023-09-21. Review status: criteria provided, single submitter. Criteria: Invitae Variant Classification Sherloc (09022015). Collection method: clinical testing. Allele origin: germline.
Comment: This sequence change replaces asparagine, which is neutral and polar, with lysine, which is basic and polar, at codon 689 of the PDGFRA protein (p.Asn689Lys). In summary, the available evidence is currently insufficient to determine the role of this variant in disease. Therefore, it has been classified as a Variant of Uncertain Significance. Advanced modeling of protein sequence and biophysical properties (such as structural, functional, and spatial information, amino acid conservation, physicochemical variation, residue mobility, and thermodynamic stability) has been performed at Invitae for this missense variant, however the output from this modeling did not meet the statistical confidence thresholds required to predict the impact of this variant on PDGFRA protein function. ClinVar contains an entry for this variant (Variation ID: 1022361). This variant has not been reported in the literature in individuals affected with PDGFRA-related conditions. This variant is not present in population databases (gnomAD no frequency).

NM_006206.6(PDGFRA):c.2067T>G (p.Asn689Lys)

Gene: PDGFRA (platelet derived growth factor receptor alpha; plus strand). Cytogenetic location: 4q12.
Variant type: single nucleotide variant.
Coding change: c.2067T>G on transcript NM_006206.6 (MANE Select); coding-DNA position 2067, T replaced by G.
Protein change: p.Asn689Lys; replaces asparagine 689 with lysine.
Molecular consequence: missense variant.
Genome position (GRCh38, 1-based): chr4:54,278,426, T>G. VCF-style: chr4-54278426-T-G. GRCh37 (hg19) VCF-style: chr4-55144593-T-G.
Other names: c.2067T>G, p.Asn689Lys (NM_001347827.2, NM_001347829.2); c.2142T>G, p.Asn714Lys (NM_001347828.2); c.2106T>G, p.Asn702Lys (NM_001347830.2); short protein forms N689K, N702K, N714K.
Identifiers: ClinVar variation 1022361 (VCV001022361.9), dbSNP rs1723875775, ClinGen allele CA356893969.
Genomic context (GRCh38, chr4:54,278,426, plus strand): 5'-CATTTACATCATCACAGAGTATTGCTTCTATGGAGATTTGGTCAACTATTTGCATAAGAA[T>G]AGGGATAGCTTCCTGAGCCACCACCCAGAGAAGCCAAAGAAAGAGCTGGATATCTTTGGA-3'
Protein context (NP_006197.1, residues 679-699): YGDLVNYLHK[Asn689Lys]RDSFLSHHPE